The following is an entry in ClinVar:

NM_003560.4(PLA2G6):c.1027G>A (p.Ala343Thr)

Gene: PLA2G6 (phospholipase A2 group VI; minus strand). Cytogenetic location: 22q13.1.
Variant type: single nucleotide variant.
Coding change: c.1027G>A on transcript NM_003560.4 (MANE Select); coding-DNA position 1027, G replaced by A.
Protein change: p.Ala343Thr; replaces alanine 343 with threonine.
Molecular consequence: missense variant.
Genome position (GRCh38, 1-based): chr22:38,132,881, C>T on the plus strand (G>A on the coding strand, the complement: PLA2G6 is on the minus strand). VCF-style: chr22-38132881-C-T. GRCh37 (hg19) VCF-style: chr22-38528888-C-T.
Other names: c.1027G>A, p.Ala343Thr (NM_001004426.3, NM_001199562.3, NM_001349864.2 and 2 more transcripts); c.493G>A, p.Ala165Thr (NM_001349867.2, NM_001349869.2); c.349G>A, p.Ala117Thr (NM_001349868.2); short protein forms A343T, A117T, A165T.
Identifiers: ClinVar variation 159725 (VCV000159725.65), dbSNP rs11570680, ClinGen allele CA173192.
Genomic context (GRCh38, chr22:38,132,881, plus strand): 5'-CTGGGCTCACCGACATGGCCAGGTGCAGCGGGGTGTTGCCGTGCTCTCCGCGGGCATCCG[C>T]GTTGGCCCCGTGGGTCAGCAGCACTATGGCACAGTCGAAGCGGTTGCGCATCACCGCCAC-3'
Protein context (NP_003551.2, residues 333-353): AIVLLTHGAN[Ala343Thr]DARGEHGNTP

ClinVar aggregate classification (germline): Benign/Likely benign. Review status: criteria provided, multiple submitters, no conflicts (2 of 4 stars). 16 submissions from 16 submitters: Benign (7); Likely benign (3). 6 of the submissions do not count toward it. Last evaluated 2026-09-01.

Conditions:
PLA2G6-associated neurodegeneration (PLAN). Also called: phospholipase A2-associated neurodegeneration. Identifiers: Orphanet 329303, MedGen CN204472, MONDO:0017998.
PLA2G6-related disorder. Also called: PLA2G6-related condition.
Parkinsonian disorder. Also called: Parkinsonism. Identifiers: MedGen C0242422, MONDO:0021095, HP:0001300.
Vascular parkinsonism. Identifiers: MedGen C0393568, MONDO:0956980.
Parkinson disease (PD). Identifiers: MedGen C0030567, MeSH D010300, MONDO:0005180.
Infantile neuroaxonal dystrophy (NBIA2A). Also called: Infantile neuroaxonal dystrophy 1; NEURODEGENERATION WITH BRAIN IRON ACCUMULATION 2A; SEITELBERGER DISEASE. Identifiers: Orphanet 35069, MedGen C0270724, MONDO:0024457, OMIM 256600.

Allele frequency attached by ClinVar (database versions not stated): 1000 Genomes Project 0.00559; 1000 Genomes Project 30x 0.00562; gnomAD 0.00889 and 0.00890; ESP Exome Variant Server 0.00920; TOPMed 0.00952; gnomAD exomes 0.01098; ExAC 0.01850.
gnomAD v4.1: 18,396 of 1,553,716 alleles (1.2%); highest among the groups gnomAD compares: Middle Eastern, 2.9%; 142 homozygotes.

Submissions (16):

CeGaT Center for Human Genetics Tuebingen
Classification: Benign. Last evaluated: 2026-09-01. Review status: criteria provided, single submitter. Criteria: CeGaT Center For Human Genetics Tuebingen Variant Classification Criteria Version 2. Collection method: clinical testing. Allele origin: germline. Affected: yes. Observed: 97 variant alleles.
Comment: PLA2G6: BP4, BS1, BS2

Labcorp Genetics (formerly Invitae), Labcorp
Classification: Benign for Infantile neuroaxonal dystrophy. Last evaluated: 2026-02-02. Review status: criteria provided, single submitter. Criteria: Invitae Variant Classification Sherloc (09022015). Collection method: clinical testing. Allele origin: germline.

The Egyptian Network for Neurodegenerative Diseases (ENND), The American University in Cairo
Classification: Likely benign for Vascular parkinsonism; Parkinsonian disorder; Parkinson disease. Last evaluated: 2024-10-01. Review status: criteria provided, single submitter. Criteria: ACMG Guidelines, 2015. Collection method: research. Allele origin: germline. Affected: yes.
Comment: This rare variant (MAF 0.00559105/0.0085 in 1000Genomes/GnomAD) falls within Ankyrin repeat-containing domain. No available functional characterization but nearest amino acid substituition 2 amino acids away A341T causes PLA2G6-associated neurodegeneration (PLAN) and a complete loss of phospholipase and lysophospholipase activities. Heterozygous p.Ser258Leu, also within ANK repeat domain, is reported in late-onset parkinsonism. We observed the same amino acid substituted in 3/5 vascular parkinsonism patients; via 2 different variants. This variant was observed in 2 patients and is an eQTL for NPTXR in brain tissue, a biomarker of synaptic dysfunction associated with multiple neurodegenerative diseases including PD, and reported to be decreased in atypical parkinsonian disorders. While PLA2G6 parkinsonism cases are mostly bi-allelic, several cases of mono-allelic variant carriers -of other PLA2G6 variants- have been reported in atypical parkinsonism (PMID:34307755;30042723). CAD score is 20.3.

Women's Health and Genetics/Laboratory Corporation of America, LabCorp
Classification: Likely benign. Last evaluated: 2021-12-10. Review status: criteria provided, single submitter. Criteria: LabCorp Variant Classification Summary - May 2015. Collection method: clinical testing. Allele origin: germline.

Mayo Clinic Laboratories, Mayo Clinic
Classification: Benign. Last evaluated: 2019-10-17. Review status: criteria provided, single submitter. Criteria: ACMG Guidelines, 2015. Collection method: clinical testing. Allele origin: germline. Observed: 75 variant alleles.

GeneDx
Classification: Benign. Last evaluated: 2019-04-01. Review status: criteria provided, single submitter. Criteria: GeneDx Variant Classification Process June 2021. Collection method: clinical testing. Allele origin: germline. Affected: yes.
Comment: This variant is associated with the following publications: (PMID: 25174650, 27393345, 30340910)

Illumina Laboratory Services, Illumina
Classification: Benign for PLA2G6-associated neurodegeneration. Last evaluated: 2018-01-13. Review status: criteria provided, single submitter. Criteria: ICSL Variant Classification Criteria 13 December 2019. Collection method: clinical testing. Allele origin: germline.
Comment: This variant was observed in the ICSL laboratory as part of a predisposition screen in an ostensibly healthy population. It had not been previously curated by ICSL or reported in the Human Gene Mutation Database (HGMD: prior to June 1st, 2018), and was therefore a candidate for classification through an automated scoring system. Utilizing variant allele frequency, disease prevalence and penetrance estimates, and inheritance mode, an automated score was calculated to assess if this variant is too frequent to cause the disease. Based on the score and internal cut-off values, a variant classified as benign is not then subjected to further curation. The score for this variant resulted in a classification of benign for this disease.

Eurofins Ntd Llc (ga)
Classification: Benign. Last evaluated: 2017-01-31. Review status: criteria provided, single submitter. Criteria: EGL Classification Definitions 2015. Collection method: clinical testing. Allele origin: germline. Observed: 1 variant allele, 1 heterozygote.

Genetic Services Laboratory, University of Chicago
Classification: Benign. Last evaluated: 2013-02-08. Review status: criteria provided, single submitter. Criteria: ACMG Guidelines, 2007. Collection method: clinical testing. Allele origin: germline. Inheritance: Autosomal recessive inheritance.

Breakthrough Genomics
Classification: Likely benign. Review status: criteria provided, single submitter. Criteria: ACMG Guidelines, 2015. Collection method: not provided. Allele origin: germline. Inheritance: Autosomal recessive inheritance. Affected: yes.

PreventionGenetics, part of Exact Sciences
Classification: Likely benign for PLA2G6-related condition. Last evaluated: 2019-10-15. Review status: no assertion criteria provided. Collection method: clinical testing. Allele origin: germline. Not counted in ClinVar's aggregate classification.
Comment: This variant is classified as likely benign based on ACMG/AMP sequence variant interpretation guidelines (Richards et al. 2015 PMID: 25741868, with internal and published modifications).

Clinical Genetics DNA and cytogenetics Diagnostics Lab, Erasmus MC, Erasmus Medical Center
Classification: Likely benign. Review status: no assertion criteria provided. Collection method: clinical testing. Allele origin: germline. Affected: yes. Study: VKGL Data-share Consensus. Not counted in ClinVar's aggregate classification.

Clinical Genetics, Academic Medical Center
Classification: Benign. Review status: no assertion criteria provided. Collection method: clinical testing. Allele origin: germline. Affected: yes. Study: VKGL Data-share Consensus. Not counted in ClinVar's aggregate classification.

Diagnostic Laboratory, Department of Genetics, University Medical Center Groningen
Classification: Benign. Review status: no assertion criteria provided. Collection method: clinical testing. Allele origin: germline. Affected: yes. Study: VKGL Data-share Consensus. Not counted in ClinVar's aggregate classification.

Genome Diagnostics Laboratory, Amsterdam University Medical Center
Classification: Likely benign. Review status: no assertion criteria provided. Collection method: clinical testing. Allele origin: germline. Affected: yes. Study: VKGL Data-share Consensus. Not counted in ClinVar's aggregate classification.

Laboratory of Diagnostic Genome Analysis, Leiden University Medical Center (LUMC)
Classification: Likely benign. Review status: no assertion criteria provided. Collection method: clinical testing. Allele origin: germline. Affected: yes. Study: VKGL Data-share Consensus. Not counted in ClinVar's aggregate classification.

Literature cited by the submitters: PubMed 40786864 (cited by The Egyptian Network for Neurodegenerative Diseases (ENND), The American University in Cairo); PubMed 34307755 (cited by The Egyptian Network for Neurodegenerative Diseases (ENND), The American University in Cairo); PubMed 30042723 (cited by The Egyptian Network for Neurodegenerative Diseases (ENND), The American University in Cairo).